The following is an entry in ClinVar:

NM_020911.2(PLXNA4):c.863C>G (p.Thr288Arg)

Gene: PLXNA4 (plexin A4; minus strand). Cytogenetic location: 7q32.3.
Variant type: single nucleotide variant.
Coding change: c.863C>G on transcript NM_020911.2 (MANE Select); coding-DNA position 863, C replaced by G.
Protein change: p.Thr288Arg; replaces threonine 288 with arginine.
Molecular consequence: missense variant.
Genome position (GRCh38, 1-based): chr7:132,507,831, G>C on the plus strand (C>G on the coding strand, the complement: PLXNA4 is on the minus strand). VCF-style: chr7-132507831-G-C. GRCh37 (hg19) VCF-style: chr7-132192590-G-C.
Other names: c.863C>G, p.Thr288Arg (NM_001105543.2, NM_001393897.1, NM_181775.4); short protein forms T288R.
Identifiers: ClinVar variation 4998778 (VCV004998778.1).

ClinVar aggregate classification (germline): Uncertain significance (1 of 4 stars; one submission).

Conditions:
PLXNA4-related disorder. Also called: PLXNA4-related condition.

Submission:

PreventionGenetics, part of Exact Sciences
Classification: Uncertain significance for PLXNA4-related condition. Last evaluated: 2025-09-10. Review status: criteria provided, single submitter. Criteria: ACMG Guidelines, 2015. Collection method: clinical testing. Allele origin: germline.
Comment: The PLXNA4 c.863C>G variant is predicted to result in the amino acid substitution p.Thr288Arg. To our knowledge, this variant has not been reported in the literature or in a large population database (gnomAD), indicating this variant is rare. At this time, the clinical significance of this variant is uncertain due to the absence of conclusive functional and genetic evidence.